The following is an entry in ClinVar:

ClinVar aggregate classification (germline): Likely pathogenic (1 of 4 stars; one submission).

Conditions:
Amyloidosis, primary localized cutaneous, 3. Also called: AMYLOIDOSIS CUTIS DYSCHROMICA. Identifiers: MedGen C4554421, MONDO:0054765, OMIM 617920.

Allele frequency attached by ClinVar (database versions not stated): gnomAD 0.00001 and 0.00002; gnomAD exomes 0.00002; TOPMed 0.00002; 1000 Genomes Project 30x 0.00016; 1000 Genomes Project 0.00020.
gnomAD v4.1: 16 of 1,613,994 alleles (0.00099%); highest among the groups gnomAD compares: Middle Eastern, 0.016%; no homozygotes.

Submission:

Johns Hopkins Genomics, Johns Hopkins University
Classification: Likely pathogenic for Amyloidosis, primary localized cutaneous, 3. Last evaluated: 2020-10-29. Review status: criteria provided, single submitter. Criteria: ACMG Guidelines, 2015. Collection method: clinical testing. Allele origin: germline.
Comment: This GPNMB variant (rs547758286) is rare (<0.1%) in a large population dataset (5/251464 total alleles; 0.002%; no homozygotes) and has not been previously reported in literature, to our knowledge. This nonsense variant results in a premature stop codon in exon 9 of 11, likely leading to nonsense-mediated decay and lack of protein production. We consider c.1330C>T to be likely pathogenic.

Literature cited by the submitters: PubMed 19416385; PubMed 25866143; PubMed 29336782.

NM_002510.3(GPNMB):c.1330C>T (p.Arg444Ter)

Gene: GPNMB (glycoprotein nmb; plus strand). Cytogenetic location: 7p15.3.
Variant type: single nucleotide variant.
Coding change: c.1330C>T on transcript NM_002510.3 (MANE Select); coding-DNA position 1330, C replaced by T.
Protein change: p.Arg444Ter; replaces arginine 444 with a stop codon.
Molecular consequence: nonsense.
Genome position (GRCh38, 1-based): chr7:23,270,076, C>T. VCF-style: chr7-23270076-C-T. GRCh37 (hg19) VCF-style: chr7-23309695-C-T.
Other names: c.1366C>T, p.Arg456Ter (NM_001005340.2); short protein forms R444*, R456*.
Identifiers: ClinVar variation 983510 (VCV000983510.1), dbSNP rs547758286, ClinGen allele CA4187722.